The following is an entry in ClinVar:

ClinVar aggregate classification (germline): not provided (0 of 4 stars; one submission).

Conditions:
Normal pregnancy. Identifiers: MedGen C0232989.

Submission:

Institute of Molecular and Cell Biology, University of Tartu
No classification provided. Condition: Normal pregnancy. Review status: no classification provided. Collection method: case-control. Allele origin: unknown. Affected: yes. Study: Kasak2014.
Comment: The study aimed to determine the contribution of copy number variants in the genetic etiology of normal and complicated pregnancies. The samples represented (i) maternal blood DNA drawn from healthy pregnant women during 1st or 2nd trimester and (ii) maternal and paternal blood DNA drawn at term pregnancy cases representing normal and complicated gestations (severe preeclampsia, PE; gestational diabetes, GD; small-for-gestational age newborn, SGA; large-for-gestational age newborn, LGA). We performed CNV calling based on genome-wide genotyping dataset (Illumina HumanOmniExpress-24-v1 BeadChip) by applying three algorithms, QuantiSNP, GADA (Genome Alteration Detection Algorithm) and CNstream in parallel. The acquired CNV calls were merged with HD-CNV (Hotspot Detector for Copy Number Variants) program and only the CNVs predicted by at least two programs, were considered in subsequent analysis.

Literature cited by the submitters: PubMed 25666259.

NM_152426.3(APOBEC3D):c.*598_*17235del

Genes: APOBEC3D (apolipoprotein B mRNA editing enzyme catalytic subunit 3D; plus strand), APOBEC3F (apolipoprotein B mRNA editing enzyme catalytic subunit 3F; plus strand), LOC126863152 (P300/CBP strongly-dependent group 1 enhancer GRCh37_chr22:39445317-39446516; plus strand), LOC130067443 (ATAC-STARR-seq lymphoblastoid active region 19027; plus strand). Cytogenetic location: 22q13.1.
Variant type: Deletion.
Coding change: c.*598_*17235del on transcript NM_152426.3; 598 bases downstream of the stop codon through 17235 bases downstream of the stop codon, this stretch deleted.
Identifiers: ClinVar variation 157480 (VCV000157480.2).